The following is an entry in ClinVar:

ClinVar aggregate classification (germline): Uncertain significance. Review status: criteria provided, multiple submitters, no conflicts (2 of 4 stars). 2 submissions from 2 submitters: Uncertain significance (2). Last evaluated 2021-01-21.

Conditions:
DICER1-related tumor predisposition. Also called: DICER1 syndrome; DICER1-related pleuropulmonary blastoma cancer predisposition syndrome. Identifiers: Orphanet 284343, MedGen C3839822, MONDO:0100216.
Hereditary cancer-predisposing syndrome. Also called: Tumor predisposition; Hereditary neoplastic syndrome; Neoplastic Syndromes, Hereditary; Hereditary Cancer Syndrome. Identifiers: Orphanet 140162, MedGen C0027672, MeSH D009386, MONDO:0015356.

Submissions (2):

Labcorp Genetics (formerly Invitae), Labcorp
Classification: Uncertain significance for DICER1-related tumor predisposition. Last evaluated: 2021-01-21. Review status: criteria provided, single submitter. Criteria: Invitae Variant Classification Sherloc (09022015). Collection method: clinical testing. Allele origin: germline.
Comment: In summary, the available evidence is currently insufficient to determine the role of this variant in disease. Therefore, it has been classified as a Variant of Uncertain Significance. Algorithms developed to predict the effect of missense changes on protein structure and function (SIFT, PolyPhen-2, Align-GVGD) all suggest that this variant is likely to be disruptive, but these predictions have not been confirmed by published functional studies and their clinical significance is uncertain. This variant has not been reported in the literature in individuals with DICER1-related conditions. This variant is not present in population databases (ExAC no frequency). This sequence change replaces proline with leucine at codon 556 of the DICER1 protein (p.Pro556Leu). The proline residue is highly conserved and there is a moderate physicochemical difference between proline and leucine.

Ambry Genetics
Classification: Uncertain significance for Hereditary cancer-predisposing syndrome. Last evaluated: 2020-08-06. Review status: criteria provided, single submitter. Criteria: Ambry Variant Classification Scheme 2023. Collection method: clinical testing. Allele origin: germline.
Comment: The p.P556L variant (also known as c.1667C>T), located in coding exon 9 of the DICER1 gene, results from a C to T substitution at nucleotide position 1667. The proline at codon 556 is replaced by leucine, an amino acid with similar properties. This amino acid position is highly conserved in available vertebrate species. In addition, the in silico prediction for this alteration is inconclusive. Since supporting evidence is limited at this time, the clinical significance of this alteration remains unclear.

NM_177438.3(DICER1):c.1667C>T (p.Pro556Leu)

Gene: DICER1 (dicer 1, ribonuclease III; minus strand). Cytogenetic location: 14q32.13.
Variant type: single nucleotide variant.
Coding change: c.1667C>T on transcript NM_177438.3 (MANE Select); coding-DNA position 1667, C replaced by T.
Protein change: p.Pro556Leu; replaces proline 556 with leucine.
Molecular consequence: missense variant.
Genome position (GRCh38, 1-based): chr14:95,116,538, G>A on the plus strand (C>T on the coding strand, the complement: DICER1 is on the minus strand). VCF-style: chr14-95116538-G-A. GRCh37 (hg19) VCF-style: chr14-95582875-G-A.
Other names: c.1667C>T, p.Pro556Leu (NM_001195573.1, NM_001271282.3, NM_001291628.2 and 1 more transcripts); short protein forms P556L.
Identifiers: ClinVar variation 1504378 (VCV001504378.11), dbSNP rs2140123976, ClinGen allele CA390884838.
Genomic context (GRCh38, chr14:95,116,538, plus strand): 5'-AGGTCTTCTTCAAAACTTTTTATTTTGTCTGTATCCGCTAACATTATATAATTAGAGATG[G>A]GTGCCCTTGCTCTTCCTTTAGATTGAACATAGGATCGATATTCTGTGGGCAAATCAAAAC-3'
Protein context (NP_803187.1, residues 546-566): YVQSKGRARA[Pro556Leu]ISNYIMLADT